The following is an entry in ClinVar:

NM_000264.5(PTCH1):c.4214A>G (p.Asp1405Gly)

Gene: PTCH1 (patched 1; minus strand). Cytogenetic location: 9q22.32.
Variant type: single nucleotide variant.
Coding change: c.4214A>G on transcript NM_000264.5 (MANE Select); coding-DNA position 4214, A replaced by G.
Protein change: p.Asp1405Gly; replaces aspartic acid 1405 with glycine.
Molecular consequence: missense variant. On other transcripts: non-coding transcript variant (1).
Genome position (GRCh38, 1-based): chr9:95,447,042, T>C on the plus strand (A>G on the coding strand, the complement: PTCH1 is on the minus strand). VCF-style: chr9-95447042-T-C. GRCh37 (hg19) VCF-style: chr9-98209324-T-C.
Other names: c.3761A>G, p.Asp1254Gly (NM_001083605.3, NM_001083606.3, NM_001083607.3 and 1 more transcripts); c.4016A>G, p.Asp1339Gly (NM_001083602.3); c.4211A>G, p.Asp1404Gly (NM_001083603.3); c.4058A>G, p.Asp1353Gly (NM_001354918.2); short protein forms D1339G, D1254G, D1353G, D1405G, D1404G.
Identifiers: ClinVar variation 2173849 (VCV002173849.4), dbSNP rs2136573158, ClinGen allele CA374110103.

ClinVar aggregate classification (germline): Uncertain significance. Review status: criteria provided, multiple submitters, no conflicts (2 of 4 stars). 2 submissions from 2 submitters: Uncertain significance (2). Last evaluated 2025-04-04.

Conditions:
Gorlin syndrome. Also called: Basal cell nevus syndrome; Nevoid Basal Cell Carcinoma Syndrome. Identifiers: Orphanet 377, MedGen C0004779, MONDO:0007187.
Hereditary cancer-predisposing syndrome. Also called: Neoplastic Syndromes, Hereditary; Tumor predisposition; Hereditary Cancer Syndrome; Hereditary neoplastic syndrome. Identifiers: Orphanet 140162, MedGen C0027672, MeSH D009386, MONDO:0015356.

Submissions (2):

Ambry Genetics
Classification: Uncertain significance for Hereditary cancer-predisposing syndrome. Last evaluated: 2025-04-04. Review status: criteria provided, single submitter. Criteria: Ambry Variant Classification Scheme 2023. Collection method: clinical testing. Allele origin: germline.

Labcorp Genetics (formerly Invitae), Labcorp
Classification: Uncertain significance for Gorlin syndrome. Last evaluated: 2022-07-29. Review status: criteria provided, single submitter. Criteria: Invitae Variant Classification Sherloc (09022015). Collection method: clinical testing. Allele origin: germline.
Comment: In summary, the available evidence is currently insufficient to determine the role of this variant in disease. Therefore, it has been classified as a Variant of Uncertain Significance. Advanced modeling of protein sequence and biophysical properties (such as structural, functional, and spatial information, amino acid conservation, physicochemical variation, residue mobility, and thermodynamic stability) performed at Invitae indicates that this missense variant is not expected to disrupt PTCH1 protein function. This variant has not been reported in the literature in individuals affected with PTCH1-related conditions. This variant is not present in population databases (gnomAD no frequency). This sequence change replaces aspartic acid, which is acidic and polar, with glycine, which is neutral and non-polar, at codon 1405 of the PTCH1 protein (p.Asp1405Gly).